The following is an entry in ClinVar:

NM_024312.5(GNPTAB):c.808A>G (p.Lys270Glu)

Gene: GNPTAB (N-acetylglucosamine-1-phosphate transferase subunits alpha and beta; minus strand). Cytogenetic location: 12q23.2.
Variant type: single nucleotide variant.
Coding change: c.808A>G on transcript NM_024312.5 (MANE Select); coding-DNA position 808, A replaced by G.
Protein change: p.Lys270Glu; replaces lysine 270 with glutamic acid.
Molecular consequence: missense variant.
Genome position (GRCh38, 1-based): chr12:101,771,121, T>C on the plus strand (A>G on the coding strand, the complement: GNPTAB is on the minus strand). VCF-style: chr12-101771121-T-C. GRCh37 (hg19) VCF-style: chr12-102164899-T-C.
Other names: short protein forms K270E.
Identifiers: ClinVar variation 2157864 (VCV002157864.8), dbSNP rs915523652, ClinGen allele CA242463076.

ClinVar aggregate classification (germline): Uncertain significance. Review status: criteria provided, multiple submitters, no conflicts (2 of 4 stars). 2 submissions from 2 submitters: Uncertain significance (2). Last evaluated 2025-10-01.

Conditions:
Mucolipidosis type II. Also called: ML II ALPHA/BETA; Mucolipidosis II Alpha/Beta; Mucolipidosis 2; ML 2; Inclusion cell disease; Leroy Disease. Identifiers: Orphanet 576, MedGen C2673377, MONDO:0009650, OMIM 252500.
Pseudo-Hurler polydystrophy. Also called: ML III; ML III ALPHA/BETA; MUCOLIPIDOSIS IIIA; ML IIIA; Mucolipidosis III Alpha/Beta; Type III Mucolipidosis. Identifiers: Orphanet 423461, Orphanet 577, MedGen C0033788, MONDO:0018931, OMIM 252600.

Allele frequency attached by ClinVar (database versions not stated): TOPMed below 0.00001.
gnomAD v4.1: 1 of 1,613,956 alleles (0.000062%); no homozygotes.

Submissions (2):

CeGaT Center for Human Genetics Tuebingen
Classification: Uncertain significance. Last evaluated: 2025-10-01. Review status: criteria provided, single submitter. Criteria: CeGaT Center For Human Genetics Tuebingen Variant Classification Criteria Version 2. Collection method: clinical testing. Allele origin: germline. Affected: yes. Observed: 1 variant allele.
Comment: GNPTAB: PM2

Labcorp Genetics (formerly Invitae), Labcorp
Classification: Uncertain significance for Pseudo-Hurler polydystrophy; Mucolipidosis type II. Last evaluated: 2023-10-22. Review status: criteria provided, single submitter. Criteria: Invitae Variant Classification Sherloc (09022015). Collection method: clinical testing. Allele origin: germline.
Comment: This sequence change replaces lysine, which is basic and polar, with glutamic acid, which is acidic and polar, at codon 270 of the GNPTAB protein (p.Lys270Glu). This variant is not present in population databases (gnomAD no frequency). This variant has not been reported in the literature in individuals affected with GNPTAB-related conditions. ClinVar contains an entry for this variant (Variation ID: 2157864). Advanced modeling of protein sequence and biophysical properties (such as structural, functional, and spatial information, amino acid conservation, physicochemical variation, residue mobility, and thermodynamic stability) performed at Invitae indicates that this missense variant is not expected to disrupt GNPTAB protein function. In summary, the available evidence is currently insufficient to determine the role of this variant in disease. Therefore, it has been classified as a Variant of Uncertain Significance.